The following is an entry in ClinVar:

NM_013296.5(GPSM2):c.1569TTC[1] (p.Ser525del)

Gene: GPSM2 (G protein signaling modulator 2; plus strand). Cytogenetic location: 1p13.3.
Variant type: Microsatellite.
Coding change: c.1569TTC[1] on transcript NM_013296.5 (MANE Select); one copy of the 3-base unit TTC starting at c.1569; the reference has two copies in a row; one copy, 3 bases deleted; also written c.1572_1574del.
Protein change: p.Ser525del; deletes serine 525.
Molecular consequence: inframe deletion.
Genome position (GRCh38, 1-based): chr1:108,922,548-108,922,550, TTC deleted; deleting any 3 consecutive bases within chr1:108,922,544-108,922,550 gives the same sequence; the position shown is the placement nearest the transcript's 3' end. VCF-style (leftmost placement, unchanged base first): chr1-108922543-ACTT-A. GRCh37 (hg19) VCF-style: chr1-109465165-ACTT-A.
Other names: c.1572_1574delTTC (NM_013296.4); c.1572_1574del (NM_013296.5); c.1569TTC[1], p.Ser525del (NM_001321038.2, NM_001321039.3); short protein forms S525del.
Identifiers: ClinVar variation 226649 (VCV000226649.21), dbSNP rs35029887, ClinGen allele CA983090.

ClinVar aggregate classification (germline): Benign. Review status: criteria provided, multiple submitters, no conflicts (2 of 4 stars). 8 submissions from 8 submitters: Benign (8). Last evaluated 2026-02-03.

Conditions:
Chudley-McCullough syndrome (CMCS). Also called: DEAFNESS, SENSORINEURAL, WITH PARTIAL AGENESIS OF THE CORPUS CALLOSUM AND ARACHNOID CYSTS; Deafness, autosomal recessive 82. Identifiers: Orphanet 314597, MedGen C1858695, MONDO:0011411, OMIM 604213.

Submissions (8):

Labcorp Genetics (formerly Invitae), Labcorp
Classification: Benign. Last evaluated: 2026-02-03. Review status: criteria provided, single submitter. Criteria: Invitae Variant Classification Sherloc (09022015). Collection method: clinical testing. Allele origin: germline.

Blueprint Genetics
Classification: Benign. Last evaluated: 2024-11-26. Review status: criteria provided, single submitter. Criteria: ACMG Guidelines, 2015. Collection method: clinical testing. Allele origin: germline.

Genome-Nilou Lab
Classification: Benign for Chudley-McCullough syndrome. Last evaluated: 2021-08-10. Review status: criteria provided, single submitter. Criteria: ACMG Guidelines, 2015. Collection method: clinical testing. Allele origin: germline. Affected: no.

Mayo Clinic Laboratories, Mayo Clinic
Classification: Benign. Last evaluated: 2020-10-02. Review status: criteria provided, single submitter. Criteria: ACMG Guidelines, 2015. Collection method: clinical testing. Allele origin: germline. Observed: 91 variant alleles.

Athena Diagnostics
Classification: Benign. Last evaluated: 2018-05-09. Review status: criteria provided, single submitter. Criteria: Athena Diagnostics Criteria. Collection method: clinical testing. Allele origin: germline.

GeneDx
Classification: Benign. Last evaluated: 2016-01-14. Review status: criteria provided, single submitter. Criteria: GeneDx Variant Classification Process June 2021. Collection method: clinical testing. Allele origin: germline. Affected: yes.

Laboratory for Molecular Medicine, Mass General Brigham Personalized Medicine
Classification: Benign. Last evaluated: 2014-10-31. Review status: criteria provided, single submitter. Criteria: LMM Criteria. Collection method: clinical testing. Allele origin: germline. Observed: 516 variant alleles.
Comment: Ser525del in exon 13 of GPSM2: This variant is a deletion of 1 amino acid at pos ition 525 and is not predicted to alter the protein reading-frame or impact the protein. It has been identified in in 28% (2331/8254) of European American chrom osomes and 56% (2409/4266) of African American chromosomes by the NHLBI Exome Se quencing Project (dbSNP rs35029887).

PreventionGenetics, part of Exact Sciences
Classification: Benign. Review status: criteria provided, single submitter. Criteria: ACMG Guidelines, 2015. Collection method: clinical testing. Allele origin: germline.